The following is an entry in ClinVar:

NM_001025603.2(RFX5):c.1399G>A (p.Gly467Arg)

Gene: RFX5 (regulatory factor X5; minus strand). Cytogenetic location: 1q21.3.
Variant type: single nucleotide variant.
Coding change: c.1399G>A on transcript NM_001025603.2 (MANE Select); coding-DNA position 1399, G replaced by A.
Protein change: p.Gly467Arg; replaces glycine 467 with arginine.
Molecular consequence: missense variant.
Genome position (GRCh38, 1-based): chr1:151,342,638, C>T on the plus strand (G>A on the coding strand, the complement: RFX5 is on the minus strand). VCF-style: chr1-151342638-C-T. GRCh37 (hg19) VCF-style: chr1-151315114-C-T.
Other names: c.1399G>A, p.Gly467Arg (NM_000449.4, NM_001379412.1, NM_001379413.1 and 5 more transcripts); c.1279G>A, p.Gly427Arg (NM_001379419.1, NM_001379420.1); short protein forms G427R, G467R.
Identifiers: ClinVar variation 1042607 (VCV001042607.8), dbSNP rs771929451, ClinGen allele CA1089607.

ClinVar aggregate classification (germline): Uncertain significance (1 of 4 stars; one submission).

Conditions:
MHC class II deficiency. Also called: BLS, TYPE II; Bare lymphocyte syndrome 2. Identifiers: Orphanet 572, MedGen C5447452, MONDO:0008855.

Allele frequency attached by ClinVar (database versions not stated): TOPMed 0.00009; ExAC 0.00001; gnomAD exomes 0.00001 and 0.00003; gnomAD 0.00003 and 0.00005.
gnomAD v4.1: 16 of 1,614,024 alleles (0.00099%); highest among the groups gnomAD compares: Admixed American, 0.018%; no homozygotes.

Submission:

Labcorp Genetics (formerly Invitae), Labcorp
Classification: Uncertain significance for MHC class II deficiency. Last evaluated: 2021-12-31. Review status: criteria provided, single submitter. Criteria: Invitae Variant Classification Sherloc (09022015). Collection method: clinical testing. Allele origin: germline.
Comment: In summary, the available evidence is currently insufficient to determine the role of this variant in disease. Therefore, it has been classified as a Variant of Uncertain Significance. Algorithms developed to predict the effect of missense changes on protein structure and function are either unavailable or do not agree on the potential impact of this missense change (SIFT: "Tolerated"; PolyPhen-2: "Probably Damaging"; Align-GVGD: "Class C0"). ClinVar contains an entry for this variant (Variation ID: 1042607). This variant has not been reported in the literature in individuals affected with RFX5-related conditions. This variant is present in population databases (rs771929451, gnomAD 0.02%). This sequence change replaces glycine, which is neutral and non-polar, with arginine, which is basic and polar, at codon 467 of the RFX5 protein (p.Gly467Arg).